The following is an entry in ClinVar:

ClinVar aggregate classification (germline): Likely pathogenic (1 of 4 stars; one submission).

Conditions:
Hemochromatosis type 3 (HFE3). Also called: HEMOCHROMATOSIS DUE TO DEFECT IN TRANSFERRIN RECEPTOR 2; Hereditary hemochromatosis type 3; TFR2-Related Hemochromatosis. Identifiers: Orphanet 225123, MedGen C1858664, MONDO:0011417, OMIM 604250.

Submission:

Natera, Inc.
Classification: Likely pathogenic for Hereditary hemochromatosis type 3. Last evaluated: 2024-11-19. Review status: criteria provided, single submitter. Criteria: Natera Variant Classification Schema (03/2026). Collection method: clinical testing. Allele origin: germline.
Comment: The c.1996-2A>T variant in TFR2 is a canonical splice acceptor site variant predicted to affect pre-mRNA splicing, which may result in an abnormal transcript and altered protein product. This variant is expected to result in nonsense mediated decay, truncation, or a dysfunctional protein product. This variant is rare in the general population with a frequency below the threshold expected for the associated phenotype(s). Given the available evidence, this variant is classified as Likely Pathogenic.

NM_003227.4(TFR2):c.1996-2A>T

Genes: TFR2 (transferrin receptor 2; minus strand), LOC113687175 (Sharpr-MPRA regulatory region 4647; plus strand). Cytogenetic location: 7q22.1.
Variant type: single nucleotide variant.
Coding change: c.1996-2A>T on transcript NM_003227.4 (MANE Select); the canonical splice acceptor site of the intron before coding-DNA position 1996, A replaced by T.
Molecular consequence: splice acceptor variant.
Genome position (GRCh38, 1-based): chr7:100,626,905, T>A on the plus strand (A>T on the coding strand, the complement: TFR2 is on the minus strand). VCF-style: chr7-100626905-T-A. GRCh37 (hg19) VCF-style: chr7-100224528-T-A.
Other names: c.1483-2A>T (NM_001206855.3).
Identifiers: ClinVar variation 4815099 (VCV004815099.1).